The following is an entry in ClinVar:

ClinVar aggregate classification (germline): Conflicting classifications of pathogenicity. Review status: criteria provided, conflicting classifications (1 of 4 stars). 6 submissions from 6 submitters: Uncertain significance (5); Likely benign (1). Last evaluated 2025-02-03.

Conditions:
Imerslund-Grasbeck syndrome. Also called: ENTEROCYTE COBALAMIN MALABSORPTION; ENTEROCYTE INTRINSIC FACTOR RECEPTOR, DEFECT OF; PERNICIOUS ANEMIA, JUVENILE, DUE TO SELECTIVE INTESTINAL MALABSORPTION OF VITAMIN B12, WITH PROTEINURIA; Megaloblastic anemia due to inborn errors of metabolism; Imerslund-Gräsbeck syndrome. Identifiers: Orphanet 35858, MedGen C4551825, MONDO:0009853.
Proteinuria, chronic benign. Identifiers: MedGen C5394384, MONDO:0030042, OMIM 618884.
Imerslund-Grasbeck syndrome type 1 (IGS1). Also called: Megaloblastic anemia 1, Finnish type; MEGALOBLASTIC ANEMIA, 1; Imerslund-Gräsbeck syndrome 1. Identifiers: MedGen C4016819, MONDO:0100156, OMIM 261100.
CUBN-related disorder. Also called: CUBN-related condition.

Allele frequency attached by ClinVar (database versions not stated): gnomAD exomes 0.00001; ExAC 0.00003; TOPMed 0.00006; gnomAD 0.00013 and 0.00014.
gnomAD v4.1: 69 of 1,613,346 alleles (0.0043%); highest among the groups gnomAD compares: Admixed American, 0.03%; 2 homozygotes.

Submissions (6):

PreventionGenetics, part of Exact Sciences
Classification: Uncertain significance for CUBN-related condition. Last evaluated: 2025-02-03. Review status: criteria provided, single submitter. Criteria: ACMG Guidelines, 2015. Collection method: clinical testing. Allele origin: germline.
Comment: The CUBN c.1450A>G variant is predicted to result in the amino acid substitution p.Ser484Gly. To our knowledge, this variant has not been reported in the literature. This variant is reported in the heterozygous state in two of 251,374 alleles in gnomAD v2.1.1. At this time, the clinical significance of this variant is uncertain due to the absence of conclusive functional and genetic evidence.

Blueprint Genetics
Classification: Likely benign. Last evaluated: 2024-11-08. Review status: criteria provided, single submitter. Criteria: ACMG Guidelines, 2015. Collection method: clinical testing. Allele origin: germline.

Fulgent Genetics
Classification: Uncertain significance for Imerslund-Grasbeck syndrome type 1; Proteinuria, chronic benign. Last evaluated: 2024-06-24. Review status: criteria provided, single submitter. Criteria: ACMG Guidelines, 2015. Collection method: clinical testing. Allele origin: germline.

Labcorp Genetics (formerly Invitae), Labcorp
Classification: Uncertain significance for Imerslund-Grasbeck syndrome. Last evaluated: 2022-08-20. Review status: criteria provided, single submitter. Criteria: Invitae Variant Classification Sherloc (09022015). Collection method: clinical testing. Allele origin: germline.
Comment: This sequence change replaces serine, which is neutral and polar, with glycine, which is neutral and non-polar, at codon 484 of the CUBN protein (p.Ser484Gly). This variant is present in population databases (rs750735519, gnomAD 0.005%). This variant has not been reported in the literature in individuals affected with CUBN-related conditions. ClinVar contains an entry for this variant (Variation ID: 289030). Algorithms developed to predict the effect of missense changes on protein structure and function are either unavailable or do not agree on the potential impact of this missense change (SIFT: "Tolerated"; PolyPhen-2: "Possibly Damaging"; Align-GVGD: "Class C0"). In summary, the available evidence is currently insufficient to determine the role of this variant in disease. Therefore, it has been classified as a Variant of Uncertain Significance.

GeneDx
Classification: Uncertain significance. Last evaluated: 2017-01-26. Review status: criteria provided, single submitter. Criteria: GeneDx Variant Classification (06012015). Collection method: clinical testing. Allele origin: germline. Affected: yes.
Comment: The S484G variant in the CUBN gene has not been reported previously as a pathogenic variant, nor as a benign variant, to our knowledge. The S484G variant was not observed in approximately 6500 individuals of European and African American ancestry in the NHLBI Exome Sequencing Project, indicating it is not a common benign variant in these populations. The S484G variant is a non-conservative amino acid substitution, which is likely to impact secondary protein structure as these residues differ in polarity, charge, size and/or other properties. This substitution occurs at a position where amino acids with similar properties to Serine are tolerated across species. In silico analysis is inconsistent in its predictions as to whether or not the variant is damaging to the protein structure/function. We interpret S484G as a variant of uncertain significance.

Eurofins Ntd Llc (ga)
Classification: Uncertain significance. Last evaluated: 2016-07-19. Review status: criteria provided, single submitter. Criteria: EGL Classification Definitions 2015. Collection method: clinical testing. Allele origin: germline. Observed: 1 variant allele, 1 heterozygote.

NM_001081.4(CUBN):c.1450A>G (p.Ser484Gly)

Gene: CUBN (cubilin; minus strand). Cytogenetic location: 10p13.
Variant type: single nucleotide variant.
Coding change: c.1450A>G on transcript NM_001081.4 (MANE Select); coding-DNA position 1450, A replaced by G.
Protein change: p.Ser484Gly; replaces serine 484 with glycine.
Molecular consequence: missense variant.
Genome position (GRCh38, 1-based): chr10:17,103,205, T>C on the plus strand (A>G on the coding strand, the complement: CUBN is on the minus strand). VCF-style: chr10-17103205-T-C. GRCh37 (hg19) VCF-style: chr10-17145204-T-C.
Other names: short protein forms S484G.
Identifiers: ClinVar variation 289030 (VCV000289030.12), dbSNP rs750735519, ClinGen allele CA5425281.
Genomic context (GRCh38, chr10:17,103,205, plus strand): 5'-TAACCCAGAAGCAGTTAACATCATGAACATAACCAACATCCGGGCTCCTGTAGCTGAAGC[T>C]TCCATTTATTCCTGAGAGGGACTCTCCACAAACTGCAAAGGAAAAGATGAACTGTGCTTT-3'
Protein context (NP_001072.2, residues 474-494): CGESLSGING[Ser484Gly]FSYRSPDVGY